The following is an entry in ClinVar:

ClinVar aggregate classification (germline): Uncertain significance (1 of 4 stars; one submission).

gnomAD v4.1: 1 of 1,614,216 alleles (0.000062%); highest among the groups gnomAD compares: Non-Finnish European, 0.000085%; no homozygotes.

Submission:

Ambry Genetics
Classification: Uncertain significance. Last evaluated: 2025-05-31. Review status: criteria provided, single submitter. Criteria: Ambry Variant Classification Scheme 2023. Collection method: clinical testing. Allele origin: germline.
Comment: The p.M419V variant (also known as c.1255A>G), located in coding exon 12 of the KIF1B gene, results from an A to G substitution at nucleotide position 1255. The methionine at codon 419 is replaced by valine, an amino acid with highly similar properties. This amino acid position is conserved. In addition, the in silico prediction for this alteration is inconclusive. Since supporting evidence is limited at this time, the clinical significance of this alteration remains unclear.

NM_001365951.3(KIF1B):c.1393A>G (p.Met465Val)

Gene: KIF1B (kinesin family member 1B; plus strand). Cytogenetic location: 1p36.22.
Variant type: single nucleotide variant.
Coding change: c.1393A>G on transcript NM_001365951.3 (MANE Select); coding-DNA position 1393, A replaced by G.
Protein change: p.Met465Val; replaces methionine 465 with valine.
Molecular consequence: missense variant.
Genome position (GRCh38, 1-based): chr1:10,282,492, A>G. VCF-style: chr1-10282492-A-G. GRCh37 (hg19) VCF-style: chr1-10342550-A-G.
Other names: c.1393A>G, p.Met465Val (NM_001365952.1); c.1255A>G, p.Met419Val (NM_001365953.1, NM_015074.3, NM_183416.4); short protein forms M419V, M465V.
Identifiers: ClinVar variation 2560524 (VCV002560524.3), dbSNP rs560710521, ClinGen allele CA338336554.
Genomic context (GRCh38, chr1:10,282,492, plus strand): 5'-TCCTGCTCACTCAGTAGTCAGGTGGGCTTGACGTCTGTGACCAGTATTCAAGAGAGGATC[A>G]TGTCTACACCTGGAGGAGAGGAAGCTATTGAACGTTTAAAGGTAAGTAATAGTTCAGACT-3'
Protein context (NP_001352880.1, residues 455-475): TSVTSIQERI[Met465Val]STPGGEEAIE